The following is an entry in ClinVar:

ClinVar aggregate classification (germline): Uncertain significance (1 of 4 stars; one submission).

gnomAD v4.1: 4 of 1,614,180 alleles (0.00025%); highest among the groups gnomAD compares: Non-Finnish European, 0.00025%; no homozygotes.

Submission:

Labcorp Genetics (formerly Invitae), Labcorp
Classification: Uncertain significance. Last evaluated: 2024-05-05. Review status: criteria provided, single submitter. Criteria: Invitae Variant Classification Sherloc (09022015). Collection method: clinical testing. Allele origin: germline.
Comment: This sequence change replaces valine, which is neutral and non-polar, with alanine, which is neutral and non-polar, at codon 803 of the NLRP1 protein (p.Val803Ala). This variant is not present in population databases (gnomAD no frequency). This variant has not been reported in the literature in individuals affected with NLRP1-related conditions. An algorithm developed to predict the effect of missense changes on protein structure and function (PolyPhen-2) suggests that this variant is likely to be tolerated. In summary, the available evidence is currently insufficient to determine the role of this variant in disease. Therefore, it has been classified as a Variant of Uncertain Significance.

NM_033004.4(NLRP1):c.2408T>C (p.Val803Ala)

Gene: NLRP1 (NLR family pyrin domain containing 1; minus strand). Cytogenetic location: 17p13.2.
Variant type: single nucleotide variant.
Coding change: c.2408T>C on transcript NM_033004.4 (MANE Select); coding-DNA position 2408, T replaced by C.
Protein change: p.Val803Ala; replaces valine 803 with alanine.
Molecular consequence: missense variant.
Genome position (GRCh38, 1-based): chr17:5,553,506, A>G on the plus strand (T>C on the coding strand, the complement: NLRP1 is on the minus strand). VCF-style: chr17-5553506-A-G. GRCh37 (hg19) VCF-style: chr17-5456826-A-G.
Other names: c.2408T>C, p.Val803Ala (NM_001033053.3, NM_014922.5, NM_033006.4 and 1 more transcripts); short protein forms V803A.
Identifiers: ClinVar variation 3699940 (VCV003699940.2).